The following is an entry in ClinVar:

ClinVar aggregate classification (germline): Likely pathogenic (1 of 4 stars; one submission).

Conditions:
Nephronophthisis. Also called: Juvenile Nephronophthisis. Identifiers: Orphanet 655, MedGen C0687120, MONDO:0019005, HP:0000090.

gnomAD v4.1: 2 of 1,510,278 alleles (0.00013%); highest among the groups gnomAD compares: Non-Finnish European, 0.00018%; no homozygotes.

Submission:

Labcorp Genetics (formerly Invitae), Labcorp
Classification: Likely pathogenic for Nephronophthisis. Last evaluated: 2025-02-19. Review status: criteria provided, single submitter. Criteria: Invitae Variant Classification Sherloc (09022015). Collection method: clinical testing. Allele origin: germline.
Comment: This sequence change affects a donor splice site in intron 13 of the NPHP4 gene. It is expected to disrupt RNA splicing. Variants that disrupt the donor or acceptor splice site typically lead to a loss of protein function (PMID: 16199547), and loss-of-function variants in NPHP4 are known to be pathogenic (PMID: 12205563, 23559409). This variant is not present in population databases (gnomAD no frequency). This variant has not been reported in the literature in individuals affected with NPHP4-related conditions. Algorithms developed to predict the effect of sequence changes on RNA splicing suggest that this variant may disrupt the consensus splice site. In summary, the currently available evidence indicates that the variant is pathogenic, but additional data are needed to prove that conclusively. Therefore, this variant has been classified as Likely Pathogenic.

Literature cited by the submitters: PubMed 16199547; PubMed 12205563; PubMed 23559409.

NM_015102.5(NPHP4):c.1611+1G>A

Gene: NPHP4 (nephrocystin 4; minus strand). Cytogenetic location: 1p36.31.
Variant type: single nucleotide variant.
Coding change: c.1611+1G>A on transcript NM_015102.5 (MANE Select); the canonical splice donor site of the intron after coding-DNA position 1611, G replaced by A.
Molecular consequence: splice donor variant. On other transcripts: intron variant (2).
Genome position (GRCh38, 1-based): chr1:5,907,114, C>T on the plus strand (G>A on the coding strand, the complement: NPHP4 is on the minus strand). VCF-style: chr1-5907114-C-T. GRCh37 (hg19) VCF-style: chr1-5967174-C-T.
Other names: c.76-1331G>A (NM_001291594.2); c.76-1334G>A (NM_001291593.2).
Identifiers: ClinVar variation 4747668 (VCV004747668.1).